The following is an entry in ClinVar:

ClinVar aggregate classification (germline): Uncertain significance. Review status: criteria provided, multiple submitters, no conflicts (2 of 4 stars). 2 submissions from 2 submitters: Uncertain significance (2). Last evaluated 2025-07-08.

Conditions:
Arrhythmogenic right ventricular dysplasia 12. Also called: ARRHYTHMOGENIC RIGHT VENTRICULAR DYSPLASIA, FAMILIAL, 12. Identifiers: MedGen C1969081, MONDO:0012684, OMIM 611528.
Naxos disease (NXD). Also called: KERATOSIS PALMOPLANTARIS WITH ARRHYTHMOGENIC CARDIOMYOPATHY; MAL DE NAXOS; PALMOPLANTAR KERATODERMA WITH ARRHYTHMOGENIC RIGHT VENTRICULAR CARDIOMYOPATHY AND WOOLLY HAIR; WOOLLY HAIR, PALMOPLANTAR KERATODERMA, AND CARDIAC ABNORMALITIES; CARDIOMYOPATHY, ARRHYTHMOGENIC RIGHT VENTRICULAR, WITH SKIN, HAIR, AND NAIL ABNORMALITIES. Identifiers: Orphanet 34217, MedGen C1832600, MONDO:0011017, OMIM 601214.
Cardiovascular phenotype. Identifiers: MedGen CN230736.

Allele frequency attached by ClinVar (database versions not stated): gnomAD exomes below 0.00001; gnomAD 0.00001; TOPMed 0.00001.

Submissions (2):

Labcorp Genetics (formerly Invitae), Labcorp
Classification: Uncertain significance for Arrhythmogenic right ventricular dysplasia 12; Naxos disease. Last evaluated: 2025-07-08. Review status: criteria provided, single submitter. Criteria: Invitae Variant Classification Sherloc (09022015). Collection method: clinical testing. Allele origin: germline.
Comment: This sequence change replaces arginine, which is basic and polar, with cysteine, which is neutral and slightly polar, at codon 477 of the JUP protein (p.Arg477Cys). This variant is present in population databases (no rsID available, gnomAD 0.003%). This variant has not been reported in the literature in individuals affected with JUP-related conditions. ClinVar contains an entry for this variant (Variation ID: 1772442). An algorithm developed to predict the effect of missense changes on protein structure and function (PolyPhen-2) suggests that this variant is likely to be disruptive. In summary, the available evidence is currently insufficient to determine the role of this variant in disease. Therefore, it has been classified as a Variant of Uncertain Significance.

Ambry Genetics
Classification: Uncertain significance for Cardiovascular phenotype. Last evaluated: 2018-07-06. Review status: criteria provided, single submitter. Criteria: Ambry Variant Classification Scheme 2023. Collection method: clinical testing. Allele origin: germline.
Comment: The p.R477C variant (also known as c.1429C>T), located in coding exon 7 of the JUP gene, results from a C to T substitution at nucleotide position 1429. The arginine at codon 477 is replaced by cysteine, an amino acid with highly dissimilar properties. This amino acid position is highly conserved in available vertebrate species. In addition, this alteration is predicted to be deleterious by in silico analysis. Since supporting evidence is limited at this time, the clinical significance of this alteration remains unclear.

NM_002230.4(JUP):c.1429C>T (p.Arg477Cys)

Gene: JUP (junction plakoglobin; minus strand). Cytogenetic location: 17q21.2.
Variant type: single nucleotide variant.
Coding change: c.1429C>T on transcript NM_002230.4 (MANE Select); coding-DNA position 1429, C replaced by T.
Protein change: p.Arg477Cys; replaces arginine 477 with cysteine.
Molecular consequence: missense variant.
Genome position (GRCh38, 1-based): chr17:41,763,051, G>A on the plus strand (C>T on the coding strand, the complement: JUP is on the minus strand). VCF-style: chr17-41763051-G-A. GRCh37 (hg19) VCF-style: chr17-39919303-G-A.
Other names: c.1429C>T, p.Arg477Cys (NM_001352773.2, NM_001352774.2, NM_001352775.2 and 3 more transcripts); short protein forms R477C.
Identifiers: ClinVar variation 1772442 (VCV001772442.7), dbSNP rs1433432540, ClinGen allele CA399496414.
Genomic context (GRCh38, chr17:41,763,051, plus strand): 5'-GTGGCCACTGGTTGGGCTGGTTGAGCAGCTTCACGATGGCTGGGATGCCATAGTTGAGAC[G>A]CACAGAGTTCTGGGCCATCTCGGCCTCAGGGTGGCGGCTAGTGAGGTGGCGCAGAGCGCA-3'
Protein context (NP_002221.1, residues 467-487): PEAEMAQNSV[Arg477Cys]LNYGIPAIVK